The following is an entry in ClinVar:

ClinVar aggregate classification (germline): Likely benign. Review status: criteria provided, multiple submitters, no conflicts (2 of 4 stars). 2 submissions from 2 submitters: Likely benign (2). Last evaluated 2025-11-29.

Conditions:
GFI1-related disorder. Also called: GFI1-related condition.

gnomAD v4.1: 2 of 1,596,274 alleles (0.00013%); highest among the groups gnomAD compares: African/African-American, 0.0027%; no homozygotes.

Submissions (2):

PreventionGenetics, part of Exact Sciences
Classification: Likely benign for GFI1-related condition. Last evaluated: 2025-11-29. Review status: criteria provided, single submitter. Criteria: ACMG Guidelines, 2015. Collection method: clinical testing. Allele origin: germline.
Comment: This variant is classified as likely benign based on ACMG/AMP sequence variant interpretation guidelines (Richards et al. 2015 PMID: 25741868, with internal and published modifications).

Ambry Genetics
Classification: Likely benign. Last evaluated: 2025-04-16. Review status: criteria provided, single submitter. Criteria: Ambry Variant Classification Scheme 2023. Collection method: clinical testing. Allele origin: germline.

NM_005263.5(GFI1):c.711C>T (p.Val237=)

Gene: GFI1 (growth factor independent 1 transcriptional repressor; minus strand). Cytogenetic location: 1p22.1.
Variant type: single nucleotide variant.
Coding change: c.711C>T on transcript NM_005263.5 (MANE Select); coding-DNA position 711, C replaced by T.
Protein change: p.Val237=; no amino-acid change (valine 237 retained).
Molecular consequence: synonymous variant.
Genome position (GRCh38, 1-based): chr1:92,480,676, G>A on the plus strand (C>T on the coding strand, the complement: GFI1 is on the minus strand). VCF-style: chr1-92480676-G-A. GRCh37 (hg19) VCF-style: chr1-92946233-G-A.
Other names: c.711C>T, p.Val237= (NM_001127215.3, NM_001127216.3).
Identifiers: ClinVar variation 4029395 (VCV004029395.2).